The following is an entry in ClinVar:

ClinVar aggregate classification (germline): Uncertain significance. Review status: criteria provided, multiple submitters, no conflicts (2 of 4 stars). 2 submissions from 2 submitters: Uncertain significance (2). Last evaluated 2024-05-07.

Conditions:
Hereditary cancer-predisposing syndrome. Also called: Hereditary neoplastic syndrome; Tumor predisposition; Neoplastic Syndromes, Hereditary; Hereditary Cancer Syndrome. Identifiers: Orphanet 140162, MedGen C0027672, MeSH D009386, MONDO:0015356.
Neuroblastoma, susceptibility to, 3. Also called: ALK-Related Neuroblastic Tumor Susceptibility. Identifiers: Orphanet 635, MedGen C2751681, MONDO:0013083, OMIM 613014.

gnomAD v4.1: 6 of 1,613,740 alleles (0.00037%); highest among the groups gnomAD compares: Non-Finnish European, 0.00051%; no homozygotes.

Submissions (2):

Labcorp Genetics (formerly Invitae), Labcorp
Classification: Uncertain significance for Neuroblastoma, susceptibility to, 3. Last evaluated: 2024-05-07. Review status: criteria provided, single submitter. Criteria: Invitae Variant Classification Sherloc (09022015). Collection method: clinical testing. Allele origin: germline.
Comment: This sequence change replaces valine, which is neutral and non-polar, with glycine, which is neutral and non-polar, at codon 1411 of the ALK protein (p.Val1411Gly). This variant is not present in population databases (gnomAD no frequency). This variant has not been reported in the literature in individuals affected with ALK-related conditions. ClinVar contains an entry for this variant (Variation ID: 952166). An algorithm developed to predict the effect of missense changes on protein structure and function (PolyPhen-2) suggests that this variant is likely to be disruptive. In summary, the available evidence is currently insufficient to determine the role of this variant in disease. Therefore, it has been classified as a Variant of Uncertain Significance.

Ambry Genetics
Classification: Uncertain significance for Hereditary cancer-predisposing syndrome. Last evaluated: 2022-02-20. Review status: criteria provided, single submitter. Criteria: Ambry Variant Classification Scheme 2023. Collection method: clinical testing. Allele origin: germline.
Comment: The p.V1411G variant (also known as c.4232T>G), located in coding exon 29 of the ALK gene, results from a T to G substitution at nucleotide position 4232. The valine at codon 1411 is replaced by glycine, an amino acid with dissimilar properties. This amino acid position is conserved. In addition, the in silico prediction for this alteration is inconclusive. Since supporting evidence is limited at this time, the clinical significance of this alteration remains unclear.

NM_004304.5(ALK):c.4232T>G (p.Val1411Gly)

Gene: ALK (ALK receptor tyrosine kinase; minus strand). Cytogenetic location: 2p23.2.
Variant type: single nucleotide variant.
Coding change: c.4232T>G on transcript NM_004304.5 (MANE Select); coding-DNA position 4232, T replaced by G.
Protein change: p.Val1411Gly; replaces valine 1411 with glycine.
Molecular consequence: missense variant.
Genome position (GRCh38, 1-based): chr2:29,193,855, A>C on the plus strand (T>G on the coding strand, the complement: ALK is on the minus strand). VCF-style: chr2-29193855-A-C. GRCh37 (hg19) VCF-style: chr2-29416721-A-C.
Other names: c.1028T>G, p.Val343Gly (NM_001353765.2); short protein forms V343G, V1411G.
Identifiers: ClinVar variation 952166 (VCV000952166.12), dbSNP rs878854657, ClinGen allele CA346463158.